The following is an entry in ClinVar:

ClinVar aggregate classification (germline): Likely pathogenic (1 of 4 stars; one submission).

Conditions:
RUNX2-related disorder. Also called: RUNX2-related condition.

Submission:

PreventionGenetics, part of Exact Sciences
Classification: Likely pathogenic for RUNX2-related condition. Last evaluated: 2025-06-16. Review status: criteria provided, single submitter. Criteria: ACMG Guidelines, 2015. Collection method: clinical testing. Allele origin: germline.
Comment: The RUNX2 c.316dupA variant is predicted to result in a frameshift and premature protein termination (p.Ile106Asnfs*55). To our knowledge, this variant has not been reported in the literature or in a large population database (gnomAD), indicating this variant is rare. Frameshift variants in RUNX2 are expected to be pathogenic. This variant is interpreted as likely pathogenic.

NM_001024630.4(RUNX2):c.316dup (p.Ile106fs)

Gene: RUNX2 (RUNX family transcription factor 2; plus strand). Cytogenetic location: 6p21.1.
Variant type: Duplication.
Coding change: c.316dup on transcript NM_001024630.4 (MANE Select); coding-DNA position 316, one base duplicated (A; older notation c.316dupA).
Protein change: p.Ile106fs; shifts the reading frame from isoleucine 106.
Molecular consequence: frameshift variant.
Genome position (GRCh38, 1-based): chr6:45,422,850, A duplicated. VCF-style (leftmost placement, unchanged base first): chr6-45422849-C-CA. GRCh37 (hg19) VCF-style: chr6-45390586-C-CA.
Other names: c.316dup, p.Ile106fs (NM_001015051.4); c.274dup, p.Ile92fs (NM_001278478.2, NM_001369405.1); short protein forms I106fs, I92fs.
Identifiers: ClinVar variation 4997824 (VCV004997824.1).
Genomic context (GRCh38, chr6:45,422,849, plus strand): 5'-GGCGGCAGCTGCAGTGCCCCGGTTGCGGCCGCCCCACGACAACCGCACCATGGTGGAGAT[C>CA]ATCGCCGACCACCCGGCCGAACTCGTCCGCACCGACAGCCCCAACTTCCTGTGCTCGGTG-3'